The following is an entry in ClinVar:

NM_138927.4(SON):c.3136G>A (p.Glu1046Lys)

Gene: SON (SON DNA and RNA binding protein; plus strand). Cytogenetic location: 21q22.11.
Variant type: single nucleotide variant.
Coding change: c.3136G>A on transcript NM_138927.4 (MANE Select); coding-DNA position 3136, G replaced by A.
Protein change: p.Glu1046Lys; replaces glutamic acid 1046 with lysine.
Molecular consequence: missense variant. On other transcripts: non-coding transcript variant (1), intron variant (1).
Genome position (GRCh38, 1-based): chr21:33,552,367, G>A. VCF-style: chr21-33552367-G-A. GRCh37 (hg19) VCF-style: chr21-34924673-G-A.
Other names: c.3136G>A, p.Glu1046Lys (NM_001291411.2, NM_032195.3); c.245-4789G>A (NM_001291412.3); short protein forms E1046K.
Identifiers: ClinVar variation 1030012 (VCV001030012.1), dbSNP rs2085820124, ClinGen allele CA410159540.

ClinVar aggregate classification (germline): Uncertain significance (1 of 4 stars; one submission).

Conditions:
ZTTK syndrome (ZTTKS). Also called: ZTTK MULTIPLE CONGENITAL ANOMALIES-MENTAL RETARDATION SYNDROME; Zhu-Tokita-Takenouchi-Kim Syndrome. Identifiers: Orphanet 500150, MedGen C4310696, MONDO:0014936, OMIM 617140.

Allele frequency attached by ClinVar (database versions not stated): gnomAD exomes below 0.00001; TOPMed below 0.00001.
gnomAD v4.1: 1 of 1,613,832 alleles (0.000062%); highest among the groups gnomAD compares: Non-Finnish European, 0.000085%; no homozygotes.

Submission:

Baylor Genetics
Classification: Uncertain significance for ZTTK syndrome. Last evaluated: 2020-09-11. Review status: criteria provided, single submitter. Criteria: ACMG Guidelines, 2015. Collection method: clinical testing. Allele origin: unknown. Affected: yes.
Comment: This variant was determined to be of uncertain significance according to ACMG Guidelines, 2015 [PMID:25741868].